The following is an entry in ClinVar:

NM_000051.4(ATM):c.4188T>A (p.Cys1396Ter)

Gene: ATM (ATM serine/threonine kinase; plus strand). Cytogenetic location: 11q22.3.
Variant type: single nucleotide variant.
Coding change: c.4188T>A on transcript NM_000051.4 (MANE Select); coding-DNA position 4188, T replaced by A.
Protein change: p.Cys1396Ter; replaces cysteine 1396 with a stop codon.
Molecular consequence: nonsense.
Genome position (GRCh38, 1-based): chr11:108,289,055, T>A. VCF-style: chr11-108289055-T-A. GRCh37 (hg19) VCF-style: chr11-108159782-T-A.
Other names: c.4188T>A, p.Cys1396Ter (NM_001351834.2); short protein forms C1396*.
Identifiers: ClinVar variation 3148214 (VCV003148214.1), dbSNP rs1565455129, ClinGen allele CA382530274.

ClinVar aggregate classification (germline): Pathogenic (1 of 4 stars; one submission).

Conditions:
Familial cancer of breast. Also called: BREAST CANCER, FAMILIAL; Hereditary breast cancer; hereditary breast carcinoma. Identifiers: Orphanet 227535, MedGen C0346153, MONDO:0016419, OMIM 114480. Disease mechanism: loss of function.

Submission:

Myriad Genetics, Inc.
Classification: Pathogenic for Familial cancer of breast. Last evaluated: 2024-01-23. Review status: criteria provided, single submitter. Criteria: Myriad Autosomal Dominant, Autosomal Recessive and X-Linked Classification Criteria (2023). Collection method: clinical testing. Allele origin: unknown.
Comment: This variant is considered pathogenic. This variant creates a termination codon and is predicted to result in premature protein truncation.